The following is an entry in ClinVar:

ClinVar aggregate classification (germline): Pathogenic (1 of 4 stars; one submission).

Submission:

Labcorp Genetics (formerly Invitae), Labcorp
Classification: Pathogenic. Last evaluated: 2024-05-21. Review status: criteria provided, single submitter. Criteria: Invitae Variant Classification Sherloc (09022015). Collection method: clinical testing. Allele origin: germline.
Comment: This sequence change creates a premature translational stop signal (p.Ser288Cysfs*7) in the TSFM gene. While this is not anticipated to result in nonsense mediated decay, it is expected to disrupt the last 59 amino acid(s) of the TSFM protein. This variant is not present in population databases (gnomAD no frequency). This variant has not been reported in the literature in individuals affected with TSFM-related conditions. This variant disrupts a region of the TSFM protein in which other variant(s) (p.Arg333Trp) have been determined to be pathogenic (PMID: 17033963, 21741925, 22277967). This suggests that this is a clinically significant region of the protein, and that variants that disrupt it are likely to be disease-causing. For these reasons, this variant has been classified as Pathogenic.

Literature cited by the submitters: PubMed 17033963; PubMed 21741925; PubMed 22277967.

NM_005726.6(TSFM):c.800_801del (p.Ser267fs)

Gene: TSFM (Ts translation elongation factor, mitochondrial; plus strand). Cytogenetic location: 12q14.1.
Variant type: Microsatellite.
Coding change: c.800_801del on transcript NM_005726.6 (MANE Select); coding-DNA positions 800 to 801, 2 bases deleted (CT; older notation c.800_801delCT).
Protein change: p.Ser267fs; shifts the reading frame from serine 267.
Molecular consequence: frameshift variant. On other transcripts: 3 prime UTR variant (1), intron variant (1).
Genome position (GRCh38, 1-based): chr12:57,796,405-57,796,406, CT deleted; deleting any 2 consecutive bases within chr12:57,796,401-57,796,406 gives the same sequence; the c. name uses the placement nearest the transcript's 3' end. VCF-style (leftmost placement, unchanged base first): chr12-57796400-CCT-C. GRCh37 (hg19) VCF-style: chr12-58190183-CCT-C.
Other names: c.*204CT[2] (NM_001172695.2); c.863_864del, p.Ser288fs (NM_001172696.2); c.571+3328CT[2] (NM_001172697.2); short protein forms S267fs, S288fs.
Identifiers: ClinVar variation 1455737 (VCV001455737.7), dbSNP rs770374058, ClinGen allele CA2039028879.
Genomic context (GRCh38, chr12:57,796,400, plus strand): 5'-GAAAACAAACCTTGAAGACGTTGGCCGCCGCCTTGGGCAGCATGTGGTGGGCATGGCCCC[CCT>C]CTCTGTTGGCTCCCTGGACGATGAGCCTGGGGGAGAGGCAGAGACTAAGATGCTGTCCCA-3'